The following is an entry in ClinVar:

ClinVar aggregate classification (germline): Pathogenic. Review status: reviewed by expert panel (3 of 4 stars). 5 submissions from 5 submitters: Pathogenic (1). 4 of the submissions do not count toward it. Last evaluated 2017-12-15.

Conditions:
Breast-ovarian cancer, familial, susceptibility to, 2 (BROVCA2). Also called: BRCA2 Hereditary Breast and Ovarian Cancer. Identifiers: Orphanet 145, MedGen C2675520, MONDO:0012933, OMIM 612555. Disease mechanism: loss of function.
Familial cancer of breast. Also called: hereditary breast carcinoma; BREAST CANCER, FAMILIAL; Hereditary breast cancer. Identifiers: Orphanet 227535, MedGen C0346153, MONDO:0016419, OMIM 114480. Disease mechanism: loss of function.
Hereditary cancer-predisposing syndrome. Also called: Hereditary neoplastic syndrome; Neoplastic Syndromes, Hereditary; Tumor predisposition; Hereditary Cancer Syndrome. Identifiers: Orphanet 140162, MedGen C0027672, MeSH D009386, MONDO:0015356.
Hereditary breast ovarian cancer syndrome. Also called: BRCA1- and BRCA2-Associated Hereditary Breast and Ovarian Cancer; Hereditary breast and ovarian cancer; Breast and ovarian cancer; Hereditary breast and/or ovarian cancer syndrome; Hereditary breast and ovarian cancer syndrome; Hereditary breast and ovarian cancer syndrome (HBOC). Identifiers: Orphanet 145, MedGen C0677776, MeSH D061325, MONDO:0003582. Disease mechanism: loss of function.

Submissions (5):

Evidence-based Network for the Interpretation of Germline Mutant Alleles (ENIGMA)
Classification: Pathogenic for Breast-ovarian cancer, familial, susceptibility to, 2. Last evaluated: 2017-12-15. Review status: reviewed by expert panel. Criteria: ENIGMA BRCA1/2 Classification Criteria (2017-06-29). Collection method: curation. Allele origin: germline. Study: ENIGMA.
Comment: Variant allele predicted to encode a truncated non-functional protein.

Ambry Genetics
Classification: Pathogenic for Hereditary cancer-predisposing syndrome. Last evaluated: 2025-09-16. Review status: criteria provided, single submitter. Criteria: Ambry Variant Classification Scheme 2023. Collection method: clinical testing. Allele origin: germline. Not counted in ClinVar's aggregate classification.
Comment: The c.2402_2420del19 pathogenic mutation, located in coding exon 10 of the BRCA2 gene, results from a deletion of 19 nucleotides at nucleotide positions 2402 to 2420, causing a translational frameshift with a predicted alternate stop codon (p.N801Mfs*3). This variant is considered to be rare based on population cohorts in the Genome Aggregation Database (gnomAD). This alteration is expected to result in loss of function by premature protein truncation or nonsense-mediated mRNA decay. As such, this alteration is interpreted as a disease-causing mutation.

Baylor Genetics
Classification: Pathogenic for Familial cancer of breast. Last evaluated: 2023-08-05. Review status: criteria provided, single submitter. Criteria: ACMG Guidelines, 2015. Collection method: clinical testing. Allele origin: unknown. Not counted in ClinVar's aggregate classification.

Labcorp Genetics (formerly Invitae), Labcorp
Classification: Pathogenic for Hereditary breast ovarian cancer syndrome. Last evaluated: 2022-04-26. Review status: criteria provided, single submitter. Criteria: Invitae Variant Classification Sherloc (09022015). Collection method: clinical testing. Allele origin: germline. Not counted in ClinVar's aggregate classification.
Comment: For these reasons, this variant has been classified as Pathogenic. ClinVar contains an entry for this variant (Variation ID: 267635). This premature translational stop signal has been observed in individual(s) with a personal and/or family history of hereditary breast and ovarian cancer syndrome (PMID: 29446198). This sequence change creates a premature translational stop signal (p.Asn801Metfs*3) in the BRCA2 gene. It is expected to result in an absent or disrupted protein product. Loss-of-function variants in BRCA2 are known to be pathogenic (PMID: 20104584). This variant is not present in population databases (gnomAD no frequency).

Consortium of Investigators of Modifiers of BRCA1/2 (CIMBA), c/o University of Cambridge
Classification: Pathogenic for Breast-ovarian cancer, familial, susceptibility to, 2. Last evaluated: 2015-10-02. Review status: criteria provided, single submitter. Criteria: CIMBA Mutation Classification guidelines May 2016. Collection method: clinical testing. Allele origin: germline. Not counted in ClinVar's aggregate classification.

Literature cited by the submitters: PubMed 29446198 (cited by Labcorp Genetics (formerly Invitae), Labcorp); PubMed 20104584 (cited by Labcorp Genetics (formerly Invitae), Labcorp).

NM_000059.4(BRCA2):c.2402_2420del (p.Asn801fs)

Gene: BRCA2 (BRCA2 DNA repair associated; plus strand). Cytogenetic location: 13q13.1.
Variant type: Deletion.
Coding change: c.2402_2420del on transcript NM_000059.4 (MANE Select); coding-DNA positions 2402 to 2420, 19 bases deleted (ACAATTATGAATCTGATGT).
Protein change: p.Asn801fs; shifts the reading frame from asparagine 801.
Molecular consequence: frameshift variant.
Genome position (GRCh38, 1-based): chr13:32,336,757-32,336,775, ACAATTATGAATCTGATGT deleted. VCF-style (leftmost placement, unchanged base first): chr13-32336756-AACAATTATGAATCTGATGT-A. GRCh37 (hg19) VCF-style: chr13-32910893-AACAATTATGAATCTGATGT-A.
Other names: c.2402_2420delACAATTATGAATCTGATGT (NM_000059.3); c.2402_2420del19 (NM_000059.3).
Identifiers: ClinVar variation 267635 (VCV000267635.16), dbSNP rs886040923, ClinGen allele CA10602528.